The following is an entry in ClinVar:

NM_001182.5(ALDH7A1):c.533T>C (p.Leu178Pro)

Gene: ALDH7A1 (aldehyde dehydrogenase 7 family member A1; minus strand). Cytogenetic location: 5q23.2.
Variant type: single nucleotide variant.
Coding change: c.533T>C on transcript NM_001182.5 (MANE Select); coding-DNA position 533, T replaced by C.
Protein change: p.Leu178Pro; replaces leucine 178 with proline.
Molecular consequence: missense variant.
Genome position (GRCh38, 1-based): chr5:126,577,196, A>G on the plus strand (T>C on the coding strand, the complement: ALDH7A1 is on the minus strand). VCF-style: chr5-126577196-A-G. GRCh37 (hg19) VCF-style: chr5-125912888-A-G.
Other names: c.449T>C, p.Leu150Pro (NM_001201377.2); c.533T>C, p.Leu178Pro (NM_001202404.2); short protein forms L150P, L178P.
Identifiers: ClinVar variation 1363701 (VCV001363701.6), dbSNP rs2112794713, ClinGen allele CA360731223.

ClinVar aggregate classification (germline): Uncertain significance (1 of 4 stars; one submission).

Conditions:
Pyridoxine-dependent epilepsy (EPEO4). Also called: Pyridoxine-Dependent Epilepsy - ALDH7A1; PYRIDOXINE DEPENDENCY WITH SEIZURES; EPILEPSY, EARLY-ONSET, 4, VITAMIN B6-DEPENDENT; Pyridoxine-Dependent Seizures. Identifiers: Orphanet 3006, MedGen C1849508, MONDO:0009945, OMIM 266100. Disease mechanism: loss of function.

Allele frequency attached by ClinVar (database versions not stated): gnomAD exomes below 0.00001.
gnomAD v4.1: 1 of 1,614,214 alleles (0.000062%); highest among the groups gnomAD compares: Non-Finnish European, 0.000085%; no homozygotes.

Submission:

Labcorp Genetics (formerly Invitae), Labcorp
Classification: Uncertain significance for Pyridoxine-dependent epilepsy. Last evaluated: 2022-02-08. Review status: criteria provided, single submitter. Criteria: Invitae Variant Classification Sherloc (09022015). Collection method: clinical testing. Allele origin: germline.
Comment: This sequence change replaces leucine, which is neutral and non-polar, with proline, which is neutral and non-polar, at codon 178 of the ALDH7A1 protein (p.Leu178Pro). This variant is not present in population databases (gnomAD no frequency). This variant has not been reported in the literature in individuals affected with ALDH7A1-related conditions. Advanced modeling of protein sequence and biophysical properties (such as structural, functional, and spatial information, amino acid conservation, physicochemical variation, residue mobility, and thermodynamic stability) performed at Invitae indicates that this missense variant is expected to disrupt ALDH7A1 protein function. In summary, the available evidence is currently insufficient to determine the role of this variant in disease. Therefore, it has been classified as a Variant of Uncertain Significance.